The following is an entry in ClinVar:

ClinVar aggregate classification (germline): Uncertain significance. Review status: criteria provided, single submitter (1 of 4 stars). 2 submissions from 2 submitters: Uncertain significance (1). 1 of the submissions does not count toward it. Last evaluated 2025-01-17.

Conditions:
COL4A1-related disorder. Also called: COL4A1-related condition; COL4A1-related disorders. Identifiers: MedGen CN376119, MONDO:0800461.

gnomAD v4.1: 8 of 1,611,070 alleles (0.0005%); highest among the groups gnomAD compares: African/African-American, 0.0013%; no homozygotes.

Submissions (2):

Labcorp Genetics (formerly Invitae), Labcorp
Classification: Uncertain significance. Last evaluated: 2025-01-17. Review status: criteria provided, single submitter. Criteria: Invitae Variant Classification Sherloc (09022015). Collection method: clinical testing. Allele origin: germline.
Comment: This sequence change falls in intron 8 of the COL4A1 gene. It does not directly change the encoded amino acid sequence of the COL4A1 protein. It affects a nucleotide within the consensus splice site. This variant is not present in population databases (gnomAD no frequency). This variant has not been reported in the literature in individuals affected with COL4A1-related conditions. ClinVar contains an entry for this variant (Variation ID: 3054900). Variants that disrupt the consensus splice site are a relatively common cause of aberrant splicing (PMID: 17576681, 9536098). Algorithms developed to predict the effect of sequence changes on RNA splicing suggest that this variant is not likely to affect RNA splicing. In summary, the available evidence is currently insufficient to determine the role of this variant in disease. Therefore, it has been classified as a Variant of Uncertain Significance.

PreventionGenetics, part of Exact Sciences
Classification: Likely benign for COL4A1-related condition. Last evaluated: 2020-04-17. Review status: no assertion criteria provided. Collection method: clinical testing. Allele origin: germline. Not counted in ClinVar's aggregate classification.
Comment: This variant is classified as likely benign based on ACMG/AMP sequence variant interpretation guidelines (Richards et al. 2015 PMID: 25741868, with internal and published modifications).

Literature cited by the submitters: PubMed 17576681 (cited by Labcorp Genetics (formerly Invitae), Labcorp); PubMed 9536098 (cited by Labcorp Genetics (formerly Invitae), Labcorp).

NM_001845.6(COL4A1):c.468+5A>C

Gene: COL4A1 (collagen type IV alpha 1 chain; minus strand). Cytogenetic location: 13q34.
Variant type: single nucleotide variant.
Coding change: c.468+5A>C on transcript NM_001845.6 (MANE Select); 5 bases into the intron after coding-DNA position 468, A replaced by C.
Molecular consequence: intron variant.
Genome position (GRCh38, 1-based): chr13:110,211,642, T>G on the plus strand (A>C on the coding strand, the complement: COL4A1 is on the minus strand). VCF-style: chr13-110211642-T-G. GRCh37 (hg19) VCF-style: chr13-110863989-T-G.
Other names: c.468+5A>C (NM_001303110.2).
Identifiers: ClinVar variation 3054900 (VCV003054900.4), dbSNP rs1291784139, ClinGen allele CA2575473186.